The following is an entry in ClinVar:

ClinVar aggregate classification (germline): Uncertain significance (1 of 4 stars; one submission).

Conditions:
Inborn genetic diseases. Identifiers: MedGen C0950123, MeSH D030342.

Submission:

Ambry Genetics
Classification: Uncertain significance for Inborn genetic diseases. Last evaluated: 2025-11-09. Review status: criteria provided, single submitter. Criteria: Ambry Variant Classification Scheme 2023. Collection method: clinical testing. Allele origin: germline.
Comment: The p.L1649V variant (also known as c.4945C>G), located in coding exon 20 of the FANCM gene, results from a C to G substitution at nucleotide position 4945. The leucine at codon 1649 is replaced by valine, an amino acid with highly similar properties. This amino acid position is conserved. In addition, this alteration is predicted to be tolerated by in silico analysis. Based on the available evidence, the clinical significance of this variant remains unclear.

NM_020937.4(FANCM):c.4945C>G (p.Leu1649Val)

Gene: FANCM (FA complementation group M; plus strand). Cytogenetic location: 14q21.2.
Variant type: single nucleotide variant.
Coding change: c.4945C>G on transcript NM_020937.4 (MANE Select); coding-DNA position 4945, C replaced by G.
Protein change: p.Leu1649Val; replaces leucine 1649 with valine.
Molecular consequence: missense variant.
Genome position (GRCh38, 1-based): chr14:45,188,967, C>G. VCF-style: chr14-45188967-C-G. GRCh37 (hg19) VCF-style: chr14-45658170-C-G.
Other names: c.4867C>G, p.Leu1623Val (NM_001308133.2); short protein forms L1623V, L1649V.
Identifiers: ClinVar variation 4619569 (VCV004619569.1).